The following is an entry in ClinVar:

NM_000337.6(SGCD):c.-43-1G>A

Gene: SGCD (sarcoglycan delta; plus strand). Cytogenetic location: 5q33.3.
Variant type: single nucleotide variant.
Coding change: c.-43-1G>A on transcript NM_000337.6 (MANE Select); the canonical splice acceptor site of the intron before 43 bases upstream of the start codon, G replaced by A.
Molecular consequence: splice acceptor variant. On other transcripts: intron variant (1).
Genome position (GRCh38, 1-based): chr5:156,329,533, G>A. VCF-style: chr5-156329533-G-A. GRCh37 (hg19) VCF-style: chr5-155756543-G-A.
Other names: c.-1+2301G>A (NM_001128209.2); c.-43-1G>A (NM_172244.3).
Identifiers: ClinVar variation 191774 (VCV000191774.7), dbSNP rs767016855, ClinGen allele CA237509.
Genomic context (GRCh38, chr5:156,329,533, plus strand): 5'-CTAGGCAAGGAGGGGGCAGGCTCTTCAGACCTTATTTTTAACCCATATTTGTTCCTTGCA[G>A]AGACATTACTGCCGGGAGTGTTGAGTGAAGGGACCAGGTGGAGATGGTGAGTAATTCCCG-3'

ClinVar aggregate classification (germline): Uncertain significance. Review status: criteria provided, multiple submitters, no conflicts (2 of 4 stars). 6 submissions from 5 submitters: Uncertain significance (5). 1 of the submissions does not count toward it. Last evaluated 2023-02-08.

Conditions:
Dilated cardiomyopathy 1L (CMD1L). Identifiers: Orphanet 154, MedGen C1847667, MONDO:0011702, OMIM 606685.
Autosomal recessive limb-girdle muscular dystrophy type 2F (LGMDR6). Also called: Muscular dystrophy limb-girdle with delta-sarcoglyan deficiency; MUSCULAR DYSTROPHY, LIMB-GIRDLE, AUTOSOMAL RECESSIVE 6. Identifiers: Orphanet 219, MedGen C1832525, MONDO:0011028, OMIM 601287. Disease mechanism: Affects gamma-sarcoglycan and also disrupts the integrity of the entire sarcoglycan complex..

Allele frequency attached by ClinVar (database versions not stated): ExAC 0.00002; gnomAD exomes 0.00002; gnomAD 0.00003; TOPMed 0.00005.
gnomAD v4.1: 13 of 1,609,102 alleles (0.00081%); highest among the groups gnomAD compares: Admixed American, 0.017%; no homozygotes.

Submissions (6):

Genome-Nilou Lab
Classification: Uncertain significance for Autosomal recessive limb-girdle muscular dystrophy type 2F. Last evaluated: 2023-02-08. Review status: criteria provided, single submitter. Criteria: ACMG Guidelines, 2015. Collection method: clinical testing. Allele origin: germline.

Genome-Nilou Lab
Classification: Uncertain significance for Dilated cardiomyopathy 1L. Last evaluated: 2023-02-08. Review status: criteria provided, single submitter. Criteria: ACMG Guidelines, 2015. Collection method: clinical testing. Allele origin: germline.

Fulgent Genetics
Classification: Uncertain significance for Autosomal recessive limb-girdle muscular dystrophy type 2F; Dilated cardiomyopathy 1L. Last evaluated: 2022-02-14. Review status: criteria provided, single submitter. Criteria: ACMG Guidelines, 2015. Collection method: clinical testing. Allele origin: unknown.

Revvity Omics, Revvity
Classification: Uncertain significance. Last evaluated: 2021-03-22. Review status: criteria provided, single submitter. Criteria: ACMG Guidelines, 2015. Collection method: clinical testing. Allele origin: germline.

Biesecker Lab/Clinical Genomics Section, National Institutes of Health
Classification: Uncertain significance. Last evaluated: 2013-06-24. Review status: criteria provided, single submitter. Criteria: Ng et al. (Circ Cardiovasc Genet. 2013). Collection method: research. Allele origin: unknown. Observed: 1 variant allele. Study: ClinSeq.
Comment: The study set was not selected for affection status in relation to any cancer. Pathogenicity categories were based on literature curation. See Pubmed ID:23861362 for details.

Medical sequencing

Counsyl
Classification: Uncertain significance for Dilated cardiomyopathy 1L; Autosomal recessive limb-girdle muscular dystrophy type 2F. Last evaluated: 2017-12-08. Review status: no assertion criteria provided. Collection method: clinical testing. Allele origin: unknown. Not counted in ClinVar's aggregate classification.